The following is an entry in ClinVar:

ClinVar aggregate classification (germline): Pathogenic (1 of 4 stars; one submission).

Conditions:
Hereditary hemorrhagic telangiectasia (HHT). Also called: ORW DISEASE; Osler Weber Rendu syndrome; OSLER-RENDU-WEBER DISEASE; Osler hemorrhagic telangiectasia syndrome. Identifiers: Orphanet 774, MedGen C0039445, MONDO:0019180. Disease mechanism: loss of function.

Submission:

Labcorp Genetics (formerly Invitae), Labcorp
Classification: Pathogenic for Hereditary hemorrhagic telangiectasia. Last evaluated: 2023-04-26. Review status: criteria provided, single submitter. Criteria: Invitae Variant Classification Sherloc (09022015). Collection method: clinical testing. Allele origin: germline.
Comment: For these reasons, this variant has been classified as Pathogenic. This variant has not been reported in the literature in individuals affected with ENG-related conditions. This variant is not present in population databases (gnomAD no frequency). This sequence change creates a premature translational stop signal (p.Ser351Profs*44) in the ENG gene. It is expected to result in an absent or disrupted protein product. Loss-of-function variants in ENG are known to be pathogenic (PMID: 15879500).

Literature cited by the submitters: PubMed 15879500.

NM_001114753.3(ENG):c.1051_1052del (p.Ser351fs)

Gene: ENG (endoglin; minus strand). Cytogenetic location: 9q34.11.
Variant type: Deletion.
Coding change: c.1051_1052del on transcript NM_001114753.3 (MANE Select); coding-DNA positions 1051 to 1052, 2 bases deleted (AG; older notation c.1051_1052delAG).
Protein change: p.Ser351fs; shifts the reading frame from serine 351.
Molecular consequence: frameshift variant.
Genome position (GRCh38, 1-based): chr9:127,824,386-127,824,387, CT deleted on the plus strand (AG on the coding strand, the reverse complement: ENG is on the minus strand). VCF-style (leftmost placement, unchanged base first): chr9-127824385-GCT-G. GRCh37 (hg19) VCF-style: chr9-130586664-GCT-G.
Other names: c.1051_1052del, p.Ser351fs (NM_000118.4, NM_001406715.1); c.505_506del, p.Ser169fs (NM_001278138.2); short protein forms S351fs, S169fs.
Identifiers: ClinVar variation 2859548 (VCV002859548.3), dbSNP rs2539071090, ClinGen allele CA2739265074.